The following is an entry in ClinVar:

ClinVar aggregate classification (germline): Uncertain significance (1 of 4 stars; one submission).

Submission:

Labcorp Genetics (formerly Invitae), Labcorp
Classification: Uncertain significance. Last evaluated: 2022-08-09. Review status: criteria provided, single submitter. Criteria: Invitae Variant Classification Sherloc (09022015). Collection method: clinical testing. Allele origin: germline.
Comment: This sequence change replaces proline, which is neutral and non-polar, with serine, which is neutral and polar, at codon 37 of the SCN3A protein (p.Pro37Ser). This variant is not present in population databases (gnomAD no frequency). This variant has not been reported in the literature in individuals affected with SCN3A-related conditions. Algorithms developed to predict the effect of missense changes on protein structure and function are either unavailable or do not agree on the potential impact of this missense change (SIFT: "Tolerated"; PolyPhen-2: "Possibly Damaging"; Align-GVGD: "Class C25"). In summary, the available evidence is currently insufficient to determine the role of this variant in disease. Therefore, it has been classified as a Variant of Uncertain Significance.

NM_006922.4(SCN3A):c.109C>T (p.Pro37Ser)

Gene: SCN3A (sodium voltage-gated channel alpha subunit 3; minus strand). Cytogenetic location: 2q24.3.
Variant type: single nucleotide variant.
Coding change: c.109C>T on transcript NM_006922.4 (MANE Select); coding-DNA position 109, C replaced by T.
Protein change: p.Pro37Ser; replaces proline 37 with serine.
Molecular consequence: missense variant.
Genome position (GRCh38, 1-based): chr2:165,176,286, G>A on the plus strand (C>T on the coding strand, the complement: SCN3A is on the minus strand). VCF-style: chr2-165176286-G-A. GRCh37 (hg19) VCF-style: chr2-166032796-G-A.
Other names: c.109C>T, p.Pro37Ser (NM_001081676.2, NM_001081677.2); short protein forms P37S.
Identifiers: ClinVar variation 2082387 (VCV002082387.4), dbSNP rs951311700, ClinGen allele CA349241053.